The following is an entry in ClinVar:

ClinVar aggregate classification (germline): Likely pathogenic (1 of 4 stars; one submission).

Conditions:
Familial dysautonomia. Also called: HSAN III; FD. Identifiers: Orphanet 1764, MedGen C0013364, MONDO:0009131, OMIM 223900. Disease mechanism: loss of function.

Submission:

Natera, Inc.
Classification: Likely pathogenic for Familial dysautonomia. Last evaluated: 2024-05-16. Review status: criteria provided, single submitter. Criteria: Natera Variant Classification Schema (03/2026). Collection method: clinical testing. Allele origin: germline.
Comment: The c.304-1G>C variant in ELP1 is a canonical splice acceptor site variant predicted to affect pre-mRNA splicing, which may result in an abnormal transcript and altered protein product. This variant is expected to result in nonsense mediated decay, truncation, or a dysfunctional protein product. This variant is rare in the general population with a frequency below the threshold expected for the associated phenotype(s). Given the available evidence, this variant is classified as Likely Pathogenic.

NM_003640.5(ELP1):c.304-1G>C

Gene: ELP1 (elongator acetyltransferase complex subunit 1; minus strand). Cytogenetic location: 9q31.3.
Variant type: single nucleotide variant.
Coding change: c.304-1G>C on transcript NM_003640.5 (MANE Select); the canonical splice acceptor site of the intron before coding-DNA position 304, G replaced by C.
Molecular consequence: splice acceptor variant.
Genome position (GRCh38, 1-based): chr9:108,927,454, C>G on the plus strand (G>C on the coding strand, the complement: ELP1 is on the minus strand). VCF-style: chr9-108927454-C-G. GRCh37 (hg19) VCF-style: chr9-111689734-C-G.
Other names: c.-39-1G>C (NM_001318360.2); c.-556-1G>C (NM_001330749.2).
Identifiers: ClinVar variation 4815216 (VCV004815216.1).
Genomic context (GRCh38, chr9:108,927,454, plus strand): 5'-TTGGTCAGGACTCCAACTCATAACAGAGATACCACTGGCTACACTCCCAACACACTCCAG[C>G]TGAGACAGAGAAAATTGAAAAGAGAGATTCAAACACTAGCATCTCAGTAAAAACTGACTG-3'